The following is an entry in ClinVar:

NM_001042492.3(NF1):c.8087del (p.Pro2696fs)

Gene: NF1 (neurofibromin 1; plus strand). Cytogenetic location: 17q11.2.
Variant type: Deletion.
Coding change: c.8087del on transcript NM_001042492.3 (MANE Select); coding-DNA position 8087, one base deleted (C; older notation c.8087delC).
Protein change: p.Pro2696fs; shifts the reading frame from proline 2696.
Molecular consequence: frameshift variant.
Genome position (GRCh38, 1-based): chr17:31,358,596, C deleted; the last of 2 consecutive C bases (chr17:31,358,595-31,358,596); deleting either gives the same sequence. VCF-style (leftmost placement, unchanged base first): chr17-31358594-AC-A. GRCh37 (hg19) VCF-style: chr17-29685612-AC-A.
Other names: c.8024delC (NM_000267.3); c.8024delC, p.Pro2675Hisfs (NM_000267.4); short protein forms P2675fs, P2696fs.
Identifiers: ClinVar variation 3237971 (VCV003237971.1), dbSNP rs2508835559.
Genomic context (GRCh38, chr17:31,358,594, plus strand): 5'-AAATTTGTTAAATCCAATCCATGGAATTGTGCAGAGTGTGGTGTACCATGAAGAATCCCC[AC>A]CACAATACCAAACATCTTACCTGCAAAGTAAATAAATGTATCTGGAGAAGGATGGTTGAT-3'

ClinVar aggregate classification (germline): Pathogenic (1 of 4 stars; one submission).

Conditions:
Hereditary cancer-predisposing syndrome. Also called: Neoplastic Syndromes, Hereditary; Tumor predisposition; Hereditary neoplastic syndrome; Hereditary Cancer Syndrome. Identifiers: Orphanet 140162, MedGen C0027672, MeSH D009386, MONDO:0015356.
Cardiovascular phenotype. Identifiers: MedGen CN230736.

Submission:

Ambry Genetics
Classification: Pathogenic for Cardiovascular phenotype; Hereditary cancer-predisposing syndrome. Last evaluated: 2023-04-19. Review status: criteria provided, single submitter. Criteria: Ambry Variant Classification Scheme 2023. Collection method: clinical testing. Allele origin: germline.
Comment: The c.8024delC pathogenic mutation, located in coding exon 54 of the NF1 gene, results from a deletion of one nucleotide at nucleotide position 8024, causing a translational frameshift with a predicted alternate stop codon (p.P2675Hfs*43). This alteration was identified in one individual from a cohort of 521 German and Turkish patients with a clinical diagnosis of neurofibromatosis type I (Fahsold R et al. Am J Hum Genet, 2000 Mar;66:790-818). This variant is considered to be rare based on population cohorts in the Genome Aggregation Database (gnomAD). This alteration is expected to result in loss of function by premature protein truncation or nonsense-mediated mRNA decay. As such, this alteration is interpreted as a disease-causing mutation.